The following is an entry in ClinVar:

NM_005677.4(COLQ):c.529-23A>G

Gene: COLQ (collagen like tail subunit of asymmetric acetylcholinesterase; minus strand). Cytogenetic location: 3p25.1.
Variant type: single nucleotide variant.
Coding change: c.529-23A>G on transcript NM_005677.4 (MANE Select); 23 bases into the intron before coding-DNA position 529, A replaced by G.
Molecular consequence: intron variant.
Genome position (GRCh38, 1-based): chr3:15,474,974, T>C on the plus strand (A>G on the coding strand, the complement: COLQ is on the minus strand). VCF-style: chr3-15474974-T-C. GRCh37 (hg19) VCF-style: chr3-15516481-T-C.
Other names: c.427-23A>G (NM_080539.4); c.499-23A>G (NM_080538.2).
Identifiers: ClinVar variation 259860 (VCV000259860.6), dbSNP rs924812, ClinGen allele CA2276117.

ClinVar aggregate classification (germline): Benign. Review status: criteria provided, multiple submitters, no conflicts (2 of 4 stars). 4 submissions from 4 submitters: Benign (4). Last evaluated 2021-07-30.

Conditions:
Congenital myasthenic syndrome 5. Identifiers: Orphanet 590, MedGen C1864233, MONDO:0011281, OMIM 603034.

Allele frequency attached by ClinVar (database versions not stated): gnomAD 0.37222 and 0.37081; gnomAD exomes 0.38324 and 0.39395; TOPMed 0.37420; ESP Exome Variant Server 0.37037; ExAC 0.38252; 1000 Genomes Project 30x 0.38335; 1000 Genomes Project 0.38598.
gnomAD v4.1: 631,940 of 1,610,502 alleles (39%); highest among the groups gnomAD compares: East Asian, 48%; 125,624 homozygotes.

Submissions (4):

Genome-Nilou Lab
Classification: Benign for Congenital myasthenic syndrome 5. Last evaluated: 2021-07-30. Review status: criteria provided, single submitter. Criteria: ACMG Guidelines, 2015. Collection method: clinical testing. Allele origin: germline. Affected: no.

GeneDx
Classification: Benign. Last evaluated: 2018-06-19. Review status: criteria provided, single submitter. Criteria: GeneDx Variant Classification (06012015). Collection method: clinical testing. Allele origin: germline. Affected: yes.
Comment: This variant is considered likely benign or benign based on one or more of the following criteria: it is a conservative change, it occurs at a poorly conserved position in the protein, it is predicted to be benign by multiple in silico algorithms, and/or has population frequency not consistent with disease.

Breakthrough Genomics
Classification: Benign. Review status: criteria provided, single submitter. Criteria: ACMG Guidelines, 2015. Collection method: not provided. Allele origin: germline. Inheritance: Autosomal recessive inheritance. Affected: yes.

PreventionGenetics, part of Exact Sciences
Classification: Benign. Review status: criteria provided, single submitter. Criteria: ACMG Guidelines, 2015. Collection method: clinical testing. Allele origin: germline.